The following is an entry in ClinVar:

ClinVar aggregate classification (germline): Uncertain significance (1 of 4 stars; one submission).

Submission:

Women's Health and Genetics/Laboratory Corporation of America, LabCorp
Classification: Uncertain significance. Last evaluated: 2026-04-01. Review status: criteria provided, single submitter. Criteria: LabCorp Variant Classification Summary - May 2015. Collection method: clinical testing. Allele origin: germline.
Comment: Variant summary: MAN2B2 c.1507A>T (p.Thr503Ser) results in a conservative amino acid change in the encoded protein sequence. Algorithms developed to predict the effect of missense changes on protein structure and function all suggest that this variant is likely to be tolerated. The variant was absent in 251322 control chromosomes. The available data on variant occurrences in the general population are insufficient to allow any conclusion about variant significance. To our knowledge, no occurrence of c.1507A>T in individuals affected with MAN2B2-related conditions and no experimental evidence demonstrating its impact on protein function have been reported. No submitters have cited clinical-significance assessments for this variant to ClinVar. Based on the evidence outlined above, the variant was classified as uncertain significance.

NM_015274.3(MAN2B2):c.1507A>T (p.Thr503Ser)

Gene: MAN2B2 (mannosidase alpha class 2B member 2; plus strand). Cytogenetic location: 4p16.1.
Variant type: single nucleotide variant.
Coding change: c.1507A>T on transcript NM_015274.3 (MANE Select); coding-DNA position 1507, A replaced by T.
Protein change: p.Thr503Ser; replaces threonine 503 with serine.
Molecular consequence: missense variant.
Genome position (GRCh38, 1-based): chr4:6,600,724, A>T. VCF-style: chr4-6600724-A-T. GRCh37 (hg19) VCF-style: chr4-6602451-A-T.
Other names: c.1354A>T, p.Thr452Ser (NM_001292038.2); short protein forms T452S, T503S.
Identifiers: ClinVar variation 4849001 (VCV004849001.1).